The following is an entry in ClinVar:

ClinVar aggregate classification (germline): Uncertain significance (1 of 4 stars; one submission).

Submission:

CeGaT Center for Human Genetics Tuebingen
Classification: Uncertain significance. Last evaluated: 2023-08-01. Review status: criteria provided, single submitter. Criteria: CeGaT Center For Human Genetics Tuebingen Variant Classification Criteria Version 2. Collection method: clinical testing. Allele origin: germline. Affected: yes. Observed: 1 variant allele.
Comment: MYH14: PM2

NM_001145809.2(MYH14):c.677A>C (p.Lys226Thr)

Gene: MYH14 (myosin heavy chain 14; plus strand). Cytogenetic location: 19q13.33.
Variant type: single nucleotide variant.
Coding change: c.677A>C on transcript NM_001145809.2 (MANE Select); coding-DNA position 677, A replaced by C.
Protein change: p.Lys226Thr; replaces lysine 226 with threonine.
Molecular consequence: missense variant.
Genome position (GRCh38, 1-based): chr19:50,223,333, A>C. VCF-style: chr19-50223333-A-C. GRCh37 (hg19) VCF-style: chr19-50726590-A-C.
Other names: c.677A>C, p.Lys226Thr (NM_001077186.2, NM_024729.4); short protein forms K226T.
Identifiers: ClinVar variation 2578840 (VCV002578840.25), dbSNP rs2514303951, ClinGen allele CA406951029.